The following is an entry in ClinVar:

ClinVar aggregate classification (germline): Likely pathogenic (1 of 4 stars; one submission).

Conditions:
D-2-hydroxyglutaric aciduria 1 (D2HGA1). Identifiers: Orphanet 79315, MedGen C3152055, MONDO:0024554, OMIM 600721.

Allele frequency attached by ClinVar (database versions not stated): gnomAD exomes below 0.00001.
gnomAD v4.1: 1 of 1,613,926 alleles (0.000062%); highest among the groups gnomAD compares: Non-Finnish European, 0.000085%; no homozygotes.

Submission:

Labcorp Genetics (formerly Invitae), Labcorp
Classification: Likely pathogenic for D-2-hydroxyglutaric aciduria 1. Last evaluated: 2018-01-01. Review status: criteria provided, single submitter. Criteria: Invitae Variant Classification Sherloc (09022015). Collection method: clinical testing. Allele origin: germline.
Comment: This sequence change affects a donor splice site in intron 6 of the D2HGDH gene. It is expected to disrupt RNA splicing and likely results in an absent or disrupted protein product. In summary, the currently available evidence indicates that the variant is pathogenic, but additional data are needed to prove that conclusively. Therefore, this variant has been classified as Likely Pathogenic. Donor and acceptor splice site variants typically lead to a loss of protein function (PMID: 16199547), and loss-of-function variants in D2HGDH are known to be pathogenic (PMID: 16081310, 20020533, 21384162). Algorithms developed to predict the effect of sequence changes on RNA splicing suggest that this variant may disrupt the consensus splice site, but this prediction has not been confirmed by published transcriptional studies. This variant has been reported in combination with a pathogenic D2HGDH variant in an individual affected with D-2-hydroxyglutaric aciduria (PMID: 20020533). This variant is not present in population databases (ExAC no frequency).

Literature cited by the submitters: PubMed 16199547; PubMed 16081310; PubMed 20020533; PubMed 21384162.

NM_152783.5(D2HGDH):c.853+2T>C

Gene: D2HGDH (D-2-hydroxyglutarate dehydrogenase; plus strand). Cytogenetic location: 2q37.3.
Variant type: single nucleotide variant.
Coding change: c.853+2T>C on transcript NM_152783.5 (MANE Select); the canonical splice donor site of the intron after coding-DNA position 853, T replaced by C.
Molecular consequence: splice donor variant.
Genome position (GRCh38, 1-based): chr2:241,744,879, T>C. VCF-style: chr2-241744879-T-C. GRCh37 (hg19) VCF-style: chr2-242684294-T-C.
Other names: c.292+2T>C (NM_001352824.2); c.451+2T>C (NM_001287249.2).
Identifiers: ClinVar variation 570363 (VCV000570363.9), dbSNP rs1559364994, ClinGen allele CA351407297.